The following is an entry in ClinVar:

NM_012448.4(STAT5B):c.379A>T (p.Ser127Cys)

Gene: STAT5B (signal transducer and activator of transcription 5B; minus strand). Cytogenetic location: 17q21.2.
Variant type: single nucleotide variant.
Coding change: c.379A>T on transcript NM_012448.4 (MANE Select); coding-DNA position 379, A replaced by T.
Protein change: p.Ser127Cys; replaces serine 127 with cysteine.
Molecular consequence: missense variant.
Genome position (GRCh38, 1-based): chr17:42,223,553, T>A on the plus strand (A>T on the coding strand, the complement: STAT5B is on the minus strand). VCF-style: chr17-42223553-T-A. GRCh37 (hg19) VCF-style: chr17-40375571-T-A.
Other names: short protein forms S127C.
Identifiers: ClinVar variation 2865224 (VCV002865224.3), dbSNP rs919159376, ClinGen allele CA399589711.

ClinVar aggregate classification (germline): Uncertain significance (1 of 4 stars; one submission).

Conditions:
Growth hormone insensitivity with immune dysregulation 1, autosomal recessive. Also called: Laron syndrome with immunodeficiency; GROWTH HORMONE INSENSITIVITY SYNDROME WITH IMMUNE DYSREGULATION 1, AUTOSOMAL RECESSIVE; GROWTH HORMONE INSENSITIVITY DUE TO POSTRECEPTOR DEFECT; LARON SYNDROME DUE TO POSTRECEPTOR DEFECT. Identifiers: Orphanet 220465, MedGen C5435698, MONDO:0100211, OMIM 245590.

Allele frequency attached by ClinVar (database versions not stated): gnomAD exomes below 0.00001.
gnomAD v4.1: 1 of 1,614,090 alleles (0.000062%); highest among the groups gnomAD compares: Non-Finnish European, 0.000085%; no homozygotes.

Submission:

Labcorp Genetics (formerly Invitae), Labcorp
Classification: Uncertain significance for Growth hormone insensitivity with immune dysregulation 1, autosomal recessive. Last evaluated: 2025-01-06. Review status: criteria provided, single submitter. Criteria: Invitae Variant Classification Sherloc (09022015). Collection method: clinical testing. Allele origin: germline.
Comment: This sequence change replaces serine, which is neutral and polar, with cysteine, which is neutral and slightly polar, at codon 127 of the STAT5B protein (p.Ser127Cys). This variant is present in population databases (no rsID available, gnomAD 0.0009%). This variant has not been reported in the literature in individuals affected with STAT5B-related conditions. ClinVar contains an entry for this variant (Variation ID: 2865224). Invitae Evidence Modeling of protein sequence and biophysical properties (such as structural, functional, and spatial information, amino acid conservation, physicochemical variation, residue mobility, and thermodynamic stability) indicates that this missense variant is not expected to disrupt STAT5B protein function with a negative predictive value of 80%. In summary, the available evidence is currently insufficient to determine the role of this variant in disease. Therefore, it has been classified as a Variant of Uncertain Significance.